The following is an entry in ClinVar:

NM_001365951.3(KIF1B):c.2725C>A (p.Pro909Thr)

Genes: KIF1B (kinesin family member 1B; plus strand), LOC126805614 (BRD4-independent group 4 enhancer GRCh37_chr1:10385546-10386745; plus strand). Cytogenetic location: 1p36.22.
Variant type: single nucleotide variant.
Coding change: c.2725C>A on transcript NM_001365951.3 (MANE Select); coding-DNA position 2725, C replaced by A.
Protein change: p.Pro909Thr; replaces proline 909 with threonine.
Molecular consequence: missense variant.
Genome position (GRCh38, 1-based): chr1:10,326,160, C>A. VCF-style: chr1-10326160-C-A. GRCh37 (hg19) VCF-style: chr1-10386218-C-A.
Other names: c.2725C>A, p.Pro909Thr (NM_001365952.1); c.2587C>A, p.Pro863Thr (NM_015074.3); short protein forms P863T, P909T.
Identifiers: ClinVar variation 1793442 (VCV001793442.2), dbSNP rs2521639014, ClinGen allele CA338336917.

ClinVar aggregate classification (germline): Uncertain significance (1 of 4 stars; one submission).

Submission:

Ambry Genetics
Classification: Uncertain significance. Last evaluated: 2021-01-25. Review status: criteria provided, single submitter. Criteria: Ambry Variant Classification Scheme 2023. Collection method: clinical testing. Allele origin: germline.
Comment: The p.P863T variant (also known as c.2587C>A), located in coding exon 24 of the KIF1B gene, results from a C to A substitution at nucleotide position 2587. The proline at codon 863 is replaced by threonine, an amino acid with highly similar properties. This amino acid position is highly conserved in available vertebrate species. In addition, this alteration is predicted to be deleterious by in silico analysis. Since supporting evidence is limited at this time, the clinical significance of this alteration remains unclear.